The following is an entry in ClinVar:

NM_001257291.2(SLC9A7):c.1330A>G (p.Ile444Val)

Gene: SLC9A7 (solute carrier family 9 member A7; minus strand). Cytogenetic location: Xp11.3.
Variant type: single nucleotide variant.
Coding change: c.1330A>G on transcript NM_001257291.2 (MANE Select); coding-DNA position 1330, A replaced by G.
Protein change: p.Ile444Val; replaces isoleucine 444 with valine.
Molecular consequence: missense variant.
Genome position (GRCh38, 1-based): chrX:46,651,130, T>C on the plus strand (A>G on the coding strand, the complement: SLC9A7 is on the minus strand). VCF-style: chrX-46651130-T-C. GRCh37 (hg19) VCF-style: chrX-46510565-T-C.
Other names: c.1327A>G, p.Ile443Val (NM_032591.3); short protein forms I443V, I444V.
Identifiers: ClinVar variation 2353919 (VCV002353919.32), dbSNP rs144546494, ClinGen allele CA10393891.

ClinVar aggregate classification (germline): Conflicting classifications of pathogenicity. Review status: criteria provided, conflicting classifications (1 of 4 stars). 4 submissions from 4 submitters: Uncertain significance (1); Likely benign (3). Last evaluated 2025-02-16.

Allele frequency attached by ClinVar (database versions not stated): gnomAD 0.00018; ExAC 0.00021; TOPMed 0.00023; gnomAD exomes 0.00027; ESP Exome Variant Server 0.00028.
gnomAD v4.1: 324 of 1,203,978 alleles (0.027%); highest among the groups gnomAD compares: South Asian, 0.066%; no homozygotes.

Submissions (4):

Laboratory of Genetics, Children's Clinical University Hospital Latvia
Classification: Likely benign. Last evaluated: 2025-02-16. Review status: criteria provided, single submitter. Criteria: ACMG Guidelines, 2015. Collection method: clinical testing. Allele origin: germline. Affected: yes.

Labcorp Genetics (formerly Invitae), Labcorp
Classification: Uncertain significance. Last evaluated: 2025-01-20. Review status: criteria provided, single submitter. Criteria: Invitae Variant Classification Sherloc (09022015). Collection method: clinical testing. Allele origin: germline.
Comment: This sequence change replaces isoleucine, which is neutral and non-polar, with valine, which is neutral and non-polar, at codon 444 of the SLC9A7 protein (p.Ile444Val). This variant is present in population databases (rs144546494, gnomAD 0.07%), and has an allele count higher than expected for a pathogenic variant. This variant has not been reported in the literature in individuals affected with SLC9A7-related conditions. ClinVar contains an entry for this variant (Variation ID: 2353919). Invitae Evidence Modeling of protein sequence and biophysical properties (such as structural, functional, and spatial information, amino acid conservation, physicochemical variation, residue mobility, and thermodynamic stability) indicates that this missense variant is not expected to disrupt SLC9A7 protein function with a negative predictive value of 80%. In summary, the available evidence is currently insufficient to determine the role of this variant in disease. Therefore, it has been classified as a Variant of Uncertain Significance.

CeGaT Center for Human Genetics Tuebingen
Classification: Likely benign. Last evaluated: 2023-05-01. Review status: criteria provided, single submitter. Criteria: CeGaT Center For Human Genetics Tuebingen Variant Classification Criteria Version 2. Collection method: clinical testing. Allele origin: germline. Affected: yes. Observed: 1 variant allele.
Comment: SLC9A7: BP4, BS2

Ambry Genetics
Classification: Likely benign. Last evaluated: 2022-04-27. Review status: criteria provided, single submitter. Criteria: Ambry Variant Classification Scheme 2023. Collection method: clinical testing. Allele origin: germline.